The following is an entry in ClinVar:

ClinVar aggregate classification (germline): Uncertain significance (1 of 4 stars; one submission).

Submission:

Labcorp Genetics (formerly Invitae), Labcorp
Classification: Uncertain significance. Last evaluated: 2025-12-01. Review status: criteria provided, single submitter. Criteria: Invitae Variant Classification Sherloc (09022015). Collection method: clinical testing. Allele origin: germline.
Comment: This sequence change replaces aspartic acid, which is acidic and polar, with valine, which is neutral and non-polar, at codon 284 of the MMP9 protein (p.Asp284Val). This variant is present in population databases (no rsID available, gnomAD 0.007%). This variant has not been reported in the literature in individuals affected with MMP9-related conditions. ClinVar contains an entry for this variant (Variation ID: 1933834). Invitae Evidence Modeling of protein sequence and biophysical properties (such as structural, functional, and spatial information, amino acid conservation, physicochemical variation, residue mobility, and thermodynamic stability) has been performed for this missense variant. However, the output from this modeling did not meet the statistical confidence thresholds required to predict the impact of this variant on MMP9 protein function. In summary, the available evidence is currently insufficient to determine the role of this variant in disease. Therefore, it has been classified as a Variant of Uncertain Significance.

NM_004994.3(MMP9):c.851A>T (p.Asp284Val)

Gene: MMP9 (matrix metallopeptidase 9; plus strand). Cytogenetic location: 20q13.12.
Variant type: single nucleotide variant.
Coding change: c.851A>T on transcript NM_004994.3 (MANE Select); coding-DNA position 851, A replaced by T.
Protein change: p.Asp284Val; replaces aspartic acid 284 with valine.
Molecular consequence: missense variant.
Genome position (GRCh38, 1-based): chr20:46,011,601, A>T. VCF-style: chr20-46011601-A-T. GRCh37 (hg19) VCF-style: chr20-44640240-A-T.
Other names: short protein forms D284V.
Identifiers: ClinVar variation 1933834 (VCV001933834.5), dbSNP rs1380673980, ClinGen allele CA409214616.